The following is an entry in ClinVar:

NM_000512.5(GALNS):c.680T>A (p.Phe227Tyr)

Gene: GALNS (galactosamine (N-acetyl)-6-sulfatase; minus strand). Cytogenetic location: 16q24.3.
Variant type: single nucleotide variant.
Coding change: c.680T>A on transcript NM_000512.5 (MANE Select); coding-DNA position 680, T replaced by A.
Protein change: p.Phe227Tyr; replaces phenylalanine 227 with tyrosine.
Molecular consequence: missense variant.
Genome position (GRCh38, 1-based): chr16:88,835,803, A>T on the plus strand (T>A on the coding strand, the complement: GALNS is on the minus strand). VCF-style: chr16-88835803-A-T. GRCh37 (hg19) VCF-style: chr16-88902211-A-T.
Other names: c.125T>A, p.Phe42Tyr (NM_001323543.2); c.698T>A, p.Phe233Tyr (NM_001323544.2); short protein forms F227Y, F233Y, F42Y.
Identifiers: ClinVar variation 4850569 (VCV004850569.1).

ClinVar aggregate classification (germline): Likely pathogenic (1 of 4 stars; one submission).

Conditions:
Mucopolysaccharidosis, MPS-IV-A (MPS4A). Also called: Mucopolysaccharidosis type IV A; Mucopolysaccharidosis Type IVA; Morquio syndrome A, mild; MORQUIO SYNDROME A; GALACTOSAMINE-6-SULFATASE DEFICIENCY; GALNS DEFICIENCY. Identifiers: Orphanet 309297, Orphanet 582, MedGen C0086651, MONDO:0009659, OMIM 253000.

gnomAD v4.1: 10 of 1,613,614 alleles (0.00062%); highest among the groups gnomAD compares: African/African-American, 0.0093%; no homozygotes.

Submission:

First Genomix Gene Laboratory, Genetic Diagnostics Department
Classification: Likely pathogenic for Mucopolysaccharidosis, MPS-IV-A. Last evaluated: 2025-08-01. Review status: criteria provided, single submitter. Criteria: ACMG Guidelines, 2015. Collection method: clinical testing. Allele origin: germline. Inheritance: Autosomal recessive inheritance. Affected: no. Observed: 1 variant allele.